The following is an entry in ClinVar:

ClinVar aggregate classification (germline): Likely benign. Review status: criteria provided, multiple submitters, no conflicts (2 of 4 stars). 5 submissions from 5 submitters: Likely benign (5). Last evaluated 2026-02-02.

Conditions:
CACNA1D-related disorder.

Allele frequency attached by ClinVar (database versions not stated): gnomAD exomes 0.00014 and 0.00033; ExAC 0.00029; ESP Exome Variant Server 0.00077; gnomAD 0.00096 and 0.00105; 1000 Genomes Project 0.00120; TOPMed 0.00121; 1000 Genomes Project 30x 0.00141.
gnomAD v4.1: 358 of 1,614,114 alleles (0.022%); highest among the groups gnomAD compares: African/African-American, 0.34%; no homozygotes.

Submissions (5):

Labcorp Genetics (formerly Invitae), Labcorp
Classification: Likely benign. Last evaluated: 2026-02-02. Review status: criteria provided, single submitter. Criteria: Invitae Variant Classification Sherloc (09022015). Collection method: clinical testing. Allele origin: germline.

Mayo Clinic Laboratories, Mayo Clinic
Classification: Likely benign. Last evaluated: 2025-06-17. Review status: criteria provided, single submitter. Criteria: ACMG Guidelines, 2015. Collection method: clinical testing. Allele origin: germline. Observed: 1 variant allele.
Comment: BS1, BP4

PreventionGenetics, part of Exact Sciences
Classification: Likely benign for CACNA1D-related condition. Last evaluated: 2025-05-01. Review status: criteria provided, single submitter. Criteria: ACMG Guidelines, 2015. Collection method: clinical testing. Allele origin: germline.
Comment: This variant is classified as likely benign based on ACMG/AMP sequence variant interpretation guidelines (Richards et al. 2015 PMID: 25741868, with internal and published modifications).

GeneDx
Classification: Likely benign. Last evaluated: 2020-03-10. Review status: criteria provided, single submitter. Criteria: GeneDx Variant Classification Process June 2021. Collection method: clinical testing. Allele origin: germline. Affected: yes.

Breakthrough Genomics
Classification: Likely benign. Review status: criteria provided, single submitter. Criteria: ACMG Guidelines, 2015. Collection method: not provided. Allele origin: germline. Inheritance: Autosomal recessive inheritance. Affected: yes.

NM_001128840.3(CACNA1D):c.5378G>A (p.Arg1793Gln)

Gene: CACNA1D (calcium voltage-gated channel subunit alpha1 D; plus strand). Cytogenetic location: 3p21.1.
Variant type: single nucleotide variant.
Coding change: c.5378G>A on transcript NM_001128840.3 (MANE Select); coding-DNA position 5378, G replaced by A.
Protein change: p.Arg1793Gln; replaces arginine 1793 with glutamine.
Molecular consequence: missense variant.
Genome position (GRCh38, 1-based): chr3:53,801,395, G>A. VCF-style: chr3-53801395-G-A. GRCh37 (hg19) VCF-style: chr3-53835422-G-A.
Other names: p.Arg1813Gln; c.5438G>A, p.Arg1813Gln (NM_000720.4); c.5333G>A, p.Arg1778Gln (NM_001128839.3); c.5438G>A (NM_000720.3); short protein forms R1778Q, R1793Q, R1813Q.
Identifiers: ClinVar variation 1215552 (VCV001215552.14), dbSNP rs143003364, ClinGen allele CA2455110.
Genomic context (GRCh38, chr3:53,801,395, plus strand): 5'-GCATTGGGAACCTTGAGCATGTGTCTGAAAATGGGCATCATTCTTCCCACAAGCATGACC[G>A]GGAGCCTCAGAGAAGGTCCAGTGTGAAAAGGTAACCTTGACAATGTGTTTGGACTTGCTC-3'
Protein context (NP_001122312.1, residues 1783-1803): NGHHSSHKHD[Arg1793Gln]EPQRRSSVKR